The following is an entry in ClinVar:

ClinVar aggregate classification (germline): Benign (1 of 4 stars; one submission).

Conditions:
Hereditary sensory and autonomic neuropathy with spastic paraplegia (HSNSP). Identifiers: Orphanet 139578, MedGen C1850395, MONDO:0009748, OMIM 256840.

Allele frequency attached by ClinVar (database versions not stated): gnomAD 0.00330 and 0.00337; TOPMed 0.00355; 1000 Genomes Project 0.00559; 1000 Genomes Project 30x 0.00593.

Submission:

Illumina Laboratory Services, Illumina
Classification: Benign for Hereditary sensory and autonomic neuropathy with spastic paraplegia. Last evaluated: 2018-01-13. Review status: criteria provided, single submitter. Criteria: ICSL Variant Classification Criteria 13 December 2019. Collection method: clinical testing. Allele origin: germline.
Comment: This variant was observed in the ICSL laboratory as part of a predisposition screen in an ostensibly healthy population. It had not been previously curated by ICSL or reported in the Human Gene Mutation Database (HGMD: prior to June 1st, 2018), and was therefore a candidate for classification through an automated scoring system. Utilizing variant allele frequency, disease prevalence and penetrance estimates, and inheritance mode, an automated score was calculated to assess if this variant is too frequent to cause the disease. Based on the score and internal cut-off values, a variant classified as benign is not then subjected to further curation. The score for this variant resulted in a classification of benign for this disease.

NM_012073.5(CCT5):c.*487C>T

Gene: CCT5 (chaperonin containing TCP1 subunit 5; plus strand). Cytogenetic location: 5p15.2.
Variant type: single nucleotide variant.
Coding change: c.*487C>T on transcript NM_012073.5 (MANE Select); 487 bases downstream of the stop codon, C replaced by T.
Molecular consequence: 3 prime UTR variant.
Genome position (GRCh38, 1-based): chr5:10,265,270, C>T. VCF-style: chr5-10265270-C-T. GRCh37 (hg19) VCF-style: chr5-10265382-C-T.
Other names: c.*487C>T (NM_001306153.1, NM_001306154.2, NM_001306155.2 and 1 more transcripts).
Identifiers: ClinVar variation 350273 (VCV000350273.5), dbSNP rs144767471, ClinGen allele CA10622136.